The following is an entry in ClinVar:

ClinVar aggregate classification (germline): Uncertain significance (1 of 4 stars; one submission).

Conditions:
Dyskeratosis congenita. Identifiers: Orphanet 1775, MedGen C0265965, MONDO:0015780.

Allele frequency attached by ClinVar (database versions not stated): gnomAD exomes below 0.00001; TOPMed below 0.00001.

Submission:

Labcorp Genetics (formerly Invitae), Labcorp
Classification: Uncertain significance for Dyskeratosis congenita. Last evaluated: 2023-12-21. Review status: criteria provided, single submitter. Criteria: Invitae Variant Classification Sherloc (09022015). Collection method: clinical testing. Allele origin: germline.
Comment: This sequence change replaces lysine, which is basic and polar, with glutamic acid, which is acidic and polar, at codon 329 of the TINF2 protein (p.Lys329Glu). This variant is not present in population databases (gnomAD no frequency). This variant has not been reported in the literature in individuals affected with TINF2-related conditions. ClinVar contains an entry for this variant (Variation ID: 1418716). An algorithm developed to predict the effect of missense changes on protein structure and function (PolyPhen-2) suggests that this variant is likely to be disruptive. In summary, the available evidence is currently insufficient to determine the role of this variant in disease. Therefore, it has been classified as a Variant of Uncertain Significance.

NM_001099274.3(TINF2):c.985A>G (p.Lys329Glu)

Gene: TINF2 (TERF1 interacting nuclear factor 2; minus strand). Cytogenetic location: 14q12.
Variant type: single nucleotide variant.
Coding change: c.985A>G on transcript NM_001099274.3 (MANE Select); coding-DNA position 985, A replaced by G.
Protein change: p.Lys329Glu; replaces lysine 329 with glutamic acid.
Molecular consequence: missense variant.
Genome position (GRCh38, 1-based): chr14:24,240,495, T>C on the plus strand (A>G on the coding strand, the complement: TINF2 is on the minus strand). VCF-style: chr14-24240495-T-C. GRCh37 (hg19) VCF-style: chr14-24709701-T-C.
Other names: c.880A>G, p.Lys294Glu (NM_001363668.2); c.985A>G, p.Lys329Glu (NM_012461.3); short protein forms K329E, K294E.
Identifiers: ClinVar variation 1418716 (VCV001418716.8), dbSNP rs1238940302, ClinGen allele CA389223974.